The following is an entry in ClinVar:

NM_138927.4(SON):c.7253A>T (p.Asn2418Ile)

Gene: SON (SON DNA and RNA binding protein; plus strand). Cytogenetic location: 21q22.11.
Variant type: single nucleotide variant.
Coding change: c.7253A>T on transcript NM_138927.4 (MANE Select); coding-DNA position 7253, A replaced by T.
Protein change: p.Asn2418Ile; replaces asparagine 2418 with isoleucine.
Molecular consequence: missense variant.
Genome position (GRCh38, 1-based): chr21:33,576,396, A>T. VCF-style: chr21-33576396-A-T. GRCh37 (hg19) VCF-style: chr21-34948702-A-T.
Other names: c.1337A>T, p.Asn446Ile (NM_001291412.3); short protein forms N2418I, N446I.
Identifiers: ClinVar variation 4755781 (VCV004755781.2).

ClinVar aggregate classification (germline): Uncertain significance (1 of 4 stars; one submission).

Submission:

GeneDx
Classification: Uncertain significance. Last evaluated: 2026-10-22. Review status: criteria provided, single submitter. Criteria: GeneDx Variant Classification Process June 2021. Collection method: clinical testing. Allele origin: germline.
Comment: Not observed at significant frequency in large population cohorts (gnomAD); In silico analysis supports that this missense variant has a deleterious effect on protein structure/function; Has not been previously published as pathogenic or benign to our knowledge